The following is an entry in ClinVar:

NM_000051.4(ATM):c.352C>T (p.Gln118Ter)

Gene: ATM (ATM serine/threonine kinase; plus strand). Cytogenetic location: 11q22.3.
Variant type: single nucleotide variant.
Coding change: c.352C>T on transcript NM_000051.4 (MANE Select); coding-DNA position 352, C replaced by T.
Protein change: p.Gln118Ter; replaces glutamine 118 with a stop codon.
Molecular consequence: nonsense.
Genome position (GRCh38, 1-based): chr11:108,235,690, C>T. VCF-style: chr11-108235690-C-T. GRCh37 (hg19) VCF-style: chr11-108106417-C-T.
Other names: c.352C>T, p.Gln118Ter (NM_001351834.2); short protein forms Q118*.
Identifiers: ClinVar variation 925968 (VCV000925968.15), dbSNP rs2079235532, ClinGen allele CA382524612.

ClinVar aggregate classification (germline): Pathogenic. Review status: criteria provided, multiple submitters, no conflicts (2 of 4 stars). 4 submissions from 4 submitters: Pathogenic (4). Last evaluated 2025-09-12.

Conditions:
Hereditary cancer-predisposing syndrome. Also called: Tumor predisposition; Hereditary neoplastic syndrome; Neoplastic Syndromes, Hereditary; Hereditary Cancer Syndrome. Identifiers: Orphanet 140162, MedGen C0027672, MeSH D009386, MONDO:0015356.
Familial cancer of breast. Also called: BREAST CANCER, FAMILIAL; hereditary breast carcinoma; Hereditary breast cancer. Identifiers: Orphanet 227535, MedGen C0346153, MONDO:0016419, OMIM 114480. Disease mechanism: loss of function.
Ataxia-telangiectasia syndrome (AT). Also called: Ataxia-telangiectasia, complementation group D; Cerebello-oculocutaneous telangiectasia; Immunodeficiency with ataxia telangiectasia; LOUIS-BAR SYNDROME; Ataxia-telangiectasia; AT, COMPLEMENTATION GROUP C. Identifiers: Orphanet 100, MedGen C0004135, MONDO:0008840, OMIM 208900.

Submissions (4):

Ambry Genetics
Classification: Pathogenic for Hereditary cancer-predisposing syndrome. Last evaluated: 2025-09-12. Review status: criteria provided, single submitter. Criteria: Ambry Variant Classification Scheme 2023. Collection method: clinical testing. Allele origin: germline.
Comment: The p.Q118* pathogenic mutation (also known as c.352C>T), located in coding exon 4 of the ATM gene, results from a C to T substitution at nucleotide position 352. This changes the amino acid from a glutamine to a stop codon within coding exon 4. This variant is considered to be rare based on population cohorts in the Genome Aggregation Database (gnomAD). This alteration is expected to result in loss of function by premature protein truncation or nonsense-mediated mRNA decay. As such, this alteration is interpreted as a disease-causing mutation.

Myriad Genetics, Inc.
Classification: Pathogenic for Familial cancer of breast. Last evaluated: 2024-01-09. Review status: criteria provided, single submitter. Criteria: Myriad Autosomal Dominant, Autosomal Recessive and X-Linked Classification Criteria (2023). Collection method: clinical testing. Allele origin: unknown.
Comment: This variant is considered pathogenic. This variant creates a termination codon and is predicted to result in premature protein truncation.

Labcorp Genetics (formerly Invitae), Labcorp
Classification: Pathogenic for Ataxia-telangiectasia syndrome. Last evaluated: 2020-08-27. Review status: criteria provided, single submitter. Criteria: Invitae Variant Classification Sherloc (09022015). Collection method: clinical testing. Allele origin: germline.
Comment: This sequence change creates a premature translational stop signal (p.Gln118*) in the ATM gene. It is expected to result in an absent or disrupted protein product. This variant is not present in population databases (ExAC no frequency). This variant has been observed in individual(s) with breast cancer (PMID: 27083775). Loss-of-function variants in ATM are known to be pathogenic (PMID: 23807571, 25614872). For these reasons, this variant has been classified as Pathogenic.

Color Diagnostics, LLC DBA Color Health
Classification: Pathogenic for Hereditary cancer-predisposing syndrome. Last evaluated: 2020-01-15. Review status: criteria provided, single submitter. Criteria: ACMG Guidelines, 2015. Collection method: clinical testing. Allele origin: germline.
Comment: This variant changes 1 nucleotide in exon 5 of the ATM gene, creating a premature translation stop signal. This variant is expected to result in an absent or non-functional protein product. This variant has not been identified in the general population by the Genome Aggregation Database (gnomAD). Loss of ATM function is a known mechanism of disease. Based on the available evidence, this variant is classified as Pathogenic.

Literature cited by the submitters: PubMed 27083775 (cited by Labcorp Genetics (formerly Invitae), Labcorp); PubMed 23807571 (cited by Labcorp Genetics (formerly Invitae), Labcorp); PubMed 25614872 (cited by Labcorp Genetics (formerly Invitae), Labcorp).